The following is an entry in ClinVar:

NM_198525.3(KIF7):c.2610T>A (p.His870Gln)

Gene: KIF7 (kinesin family member 7; minus strand). Cytogenetic location: 15q26.1.
Variant type: single nucleotide variant.
Coding change: c.2610T>A on transcript NM_198525.3 (MANE Select); coding-DNA position 2610, T replaced by A.
Protein change: p.His870Gln; replaces histidine 870 with glutamine.
Molecular consequence: missense variant.
Genome position (GRCh38, 1-based): chr15:89,633,249, A>T on the plus strand (T>A on the coding strand, the complement: KIF7 is on the minus strand). VCF-style: chr15-89633249-A-T. GRCh37 (hg19) VCF-style: chr15-90176480-A-T.
Other names: short protein forms H870Q.
Identifiers: ClinVar variation 1421859 (VCV001421859.7), dbSNP rs771049459, ClinGen allele CA7728065.
Genomic context (GRCh38, chr15:89,633,249, plus strand): 5'-CTTCCTCTGGAATGCCGCGATCTCTTCCGTCTTAATCTTCAGGATCTTCTGCTGTTGCTC[A>T]TGCTTCAGCTCCAGCTCCTGGGTGAGGAGCTCAGTGGGCAGGGCTGTTTATGGTGCCAGC-3'
Protein context (NP_940927.2, residues 860-880): QHRVKELELK[His870Gln]EQQQKILKIK

ClinVar aggregate classification (germline): Uncertain significance. Review status: criteria provided, multiple submitters, no conflicts (2 of 4 stars). 2 submissions from 2 submitters: Uncertain significance (2). Last evaluated 2024-12-02.

Conditions:
Acrocallosal syndrome (ACLS). Also called: Schinzel syndrome 1; Absence of corpus callosum with unusual facial appearance, mental deficiency, duplication of the halluces and polydactyly; HALLUX DUPLICATION, POSTAXIAL POLYDACTYLY, AND ABSENCE OF CORPUS CALLOSUM. Identifiers: Orphanet 36, MedGen C0796147, MONDO:0008708, OMIM 200990.
Multiple epiphyseal dysplasia, Al-Gazali type. Also called: Macrocephaly with multiple epiphyseal dysplasia and distinctive facies. Identifiers: Orphanet 166024, MedGen C1846722, MONDO:0011778, OMIM 607131.
Hydrolethalus syndrome 2 (HLS2). Identifiers: Orphanet 2189, MedGen C3279899, MONDO:0013585, OMIM 614120.

Allele frequency attached by ClinVar (database versions not stated): TOPMed 0.00001; ExAC 0.00003.
gnomAD v4.1: 7 of 1,576,926 alleles (0.00044%); highest among the groups gnomAD compares: Admixed American, 0.013%; no homozygotes.

Submissions (2):

Labcorp Genetics (formerly Invitae), Labcorp
Classification: Uncertain significance for Acrocallosal syndrome. Last evaluated: 2024-12-02. Review status: criteria provided, single submitter. Criteria: Invitae Variant Classification Sherloc (09022015). Collection method: clinical testing. Allele origin: germline.
Comment: This sequence change replaces histidine, which is basic and polar, with glutamine, which is neutral and polar, at codon 870 of the KIF7 protein (p.His870Gln). This variant is present in population databases (rs771049459, gnomAD 0.02%). This variant has not been reported in the literature in individuals affected with KIF7-related conditions. ClinVar contains an entry for this variant (Variation ID: 1421859). Invitae Evidence Modeling of protein sequence and biophysical properties (such as structural, functional, and spatial information, amino acid conservation, physicochemical variation, residue mobility, and thermodynamic stability) indicates that this missense variant is not expected to disrupt KIF7 protein function with a negative predictive value of 80%. In summary, the available evidence is currently insufficient to determine the role of this variant in disease. Therefore, it has been classified as a Variant of Uncertain Significance.

Fulgent Genetics
Classification: Uncertain significance for Acrocallosal syndrome; Multiple epiphyseal dysplasia, Al-Gazali type; Hydrolethalus syndrome 2. Last evaluated: 2024-03-07. Review status: criteria provided, single submitter. Criteria: ACMG Guidelines, 2015. Collection method: clinical testing. Allele origin: germline.